The following is an entry in ClinVar:

ClinVar aggregate classification (germline): Uncertain significance (1 of 4 stars; one submission).

Conditions:
IFT74-related disorder. Also called: IFT74-related condition; IFT74-Related Disorders.

gnomAD v4.1: 2 of 1,598,864 alleles (0.00013%); highest among the groups gnomAD compares: African/African-American, 0.0027%; no homozygotes.

Submission:

PreventionGenetics, part of Exact Sciences
Classification: Uncertain significance for IFT74-related condition. Last evaluated: 2025-07-13. Review status: criteria provided, single submitter. Criteria: ACMG Guidelines, 2015. Collection method: clinical testing. Allele origin: germline.
Comment: The IFT74 c.1556T>A variant is predicted to result in the amino acid substitution p.Met519Lys. To our knowledge, this variant has not been reported in the literature or in a large population database (gnomAD), indicating this variant is rare. At this time, the clinical significance of this variant is uncertain due to the absence of conclusive functional and genetic evidence.

NM_025103.4(IFT74):c.1556T>A (p.Met519Lys)

Gene: IFT74 (intraflagellar transport 74; plus strand). Cytogenetic location: 9p21.2.
Variant type: single nucleotide variant.
Coding change: c.1556T>A on transcript NM_025103.4 (MANE Select); coding-DNA position 1556, T replaced by A.
Protein change: p.Met519Lys; replaces methionine 519 with lysine.
Molecular consequence: missense variant.
Genome position (GRCh38, 1-based): chr9:27,056,392, T>A. VCF-style: chr9-27056392-T-A. GRCh37 (hg19) VCF-style: chr9-27056390-T-A.
Other names: c.1556T>A, p.Met519Lys (NM_001099222.3, NM_001099223.3, NM_001349928.2); short protein forms M519K.
Identifiers: ClinVar variation 4998726 (VCV004998726.1).